The following is an entry in ClinVar:

NM_000059.4(BRCA2):c.8663del (p.Arg2888fs)

Gene: BRCA2 (BRCA2 DNA repair associated; plus strand). Cytogenetic location: 13q13.1.
Variant type: Deletion.
Coding change: c.8663del on transcript NM_000059.4 (MANE Select); coding-DNA position 8663, one base deleted (G; older notation c.8663delG).
Protein change: p.Arg2888fs; shifts the reading frame from arginine 2888.
Molecular consequence: frameshift variant.
Genome position (GRCh38, 1-based): chr13:32,376,700, G deleted. VCF-style (leftmost placement, unchanged base first): chr13-32376699-CG-C. GRCh37 (hg19) VCF-style: chr13-32950836-CG-C.
Other names: c.8663delG (NM_000059.3); short protein forms R2888fs.
Identifiers: ClinVar variation 531255 (VCV000531255.7), dbSNP rs1555288145, ClinGen allele CA658798063.
Genomic context (GRCh38, chr13:32,376,699, plus strand): 5'-TAGTGAATTAATAATCCTTTTGTTTTCTTAGAAAACACAACAAAACCATATTTACCATCA[CG>C]TGCACTAACAAGACAGCAAGTTCGTGCTTTGCAAGATGGTGCAGAGCTTTATGAAGCAGT-3'

ClinVar aggregate classification (germline): Pathogenic (1 of 4 stars; one submission).

Conditions:
Hereditary breast ovarian cancer syndrome. Also called: Hereditary breast and ovarian cancer syndrome (HBOC); BRCA1- and BRCA2-Associated Hereditary Breast and Ovarian Cancer; Hereditary breast and ovarian cancer syndrome; Breast and ovarian cancer; Hereditary breast and ovarian cancer; Hereditary breast and/or ovarian cancer syndrome. Identifiers: Orphanet 145, MedGen C0677776, MeSH D061325, MONDO:0003582. Disease mechanism: loss of function.

Submission:

Labcorp Genetics (formerly Invitae), Labcorp
Classification: Pathogenic for Hereditary breast ovarian cancer syndrome. Last evaluated: 2017-08-24. Review status: criteria provided, single submitter. Criteria: Invitae Variant Classification Sherloc (09022015). Collection method: clinical testing. Allele origin: germline.
Comment: For these reasons, this variant has been classified as Pathogenic. Loss-of-function variants in BRCA2 are known to be pathogenic (PMID: 20104584). This variant has not been reported in the literature in individuals with BRCA2-related disease. This variant is not present in population databases (ExAC no frequency). This sequence change creates a premature translational stop signal (p.Arg2888Leufs*3) in the BRCA2 gene. It is expected to result in an absent or disrupted protein product.

Literature cited by the submitters: PubMed 20104584.